The following is an entry in ClinVar:

ClinVar aggregate classification (germline): Likely benign. Review status: criteria provided, multiple submitters, no conflicts (2 of 4 stars). 2 submissions from 2 submitters: Likely benign (2). Last evaluated 2026-08-25.

Conditions:
CEP290-related disorder. Also called: CEP290-related disorders; CEP290-related condition. Identifiers: MedGen CN239314.
Joubert syndrome. Also called: JOUBERT-BOLTSHAUSER SYNDROME; Familial aplasia of the vermis. Identifiers: Orphanet 475, MedGen C5979921, MONDO:0018772.
Nephronophthisis. Also called: Juvenile Nephronophthisis. Identifiers: Orphanet 655, MedGen C0687120, MONDO:0019005, HP:0000090.
Meckel-Gruber syndrome. Also called: DYSENCEPHALIA SPLANCHNOCYSTICA; GRUBER SYNDROME; Dysencephalia splachnocystica. Identifiers: Orphanet 564, MedGen C0265215, MONDO:0018921.

Submissions (2):

PreventionGenetics, part of Exact Sciences
Classification: Likely benign for CEP290-related condition. Last evaluated: 2026-08-25. Review status: criteria provided, single submitter. Criteria: ACMG Guidelines, 2015. Collection method: clinical testing. Allele origin: germline.
Comment: This variant is classified as likely benign based on ACMG/AMP sequence variant interpretation guidelines (Richards et al. 2015 PMID: 25741868, with internal and published modifications).

Labcorp Genetics (formerly Invitae), Labcorp
Classification: Likely benign for Joubert syndrome; Meckel-Gruber syndrome; Nephronophthisis. Last evaluated: 2022-03-18. Review status: criteria provided, single submitter. Criteria: Invitae Variant Classification Sherloc (09022015). Collection method: clinical testing. Allele origin: germline.

NM_025114.4(CEP290):c.2304G>C (p.Gly768=)

Gene: CEP290 (centrosomal protein 290; minus strand). Cytogenetic location: 12q21.32.
Variant type: single nucleotide variant.
Coding change: c.2304G>C on transcript NM_025114.4 (MANE Select); coding-DNA position 2304, G replaced by C.
Protein change: p.Gly768=; no amino-acid change (glycine 768 retained).
Molecular consequence: synonymous variant.
Genome position (GRCh38, 1-based): chr12:88,111,265, C>G on the plus strand (G>C on the coding strand, the complement: CEP290 is on the minus strand). VCF-style: chr12-88111265-C-G. GRCh37 (hg19) VCF-style: chr12-88505042-C-G.
Other names: c.2304G>C (NM_025114.3).
Identifiers: ClinVar variation 2114049 (VCV002114049.5), dbSNP rs2500740754, ClinGen allele CA481050157.